The following is an entry in ClinVar:

NM_001395413.1(POR):c.674C>T (p.Pro225Leu)

Gene: POR (cytochrome p450 oxidoreductase; plus strand). Cytogenetic location: 7q11.23.
Variant type: single nucleotide variant.
Coding change: c.674C>T on transcript NM_001395413.1 (MANE Select); coding-DNA position 674, C replaced by T.
Protein change: p.Pro225Leu; replaces proline 225 with leucine.
Molecular consequence: missense variant.
Genome position (GRCh38, 1-based): chr7:75,981,558, C>T. VCF-style: chr7-75981558-C-T. GRCh37 (hg19) VCF-style: chr7-75610876-C-T.
Other names: c.683C>T (NM_000941.3); c.674C>T, p.Pro225Leu (NM_001367562.3, NM_001382657.2, NM_001382658.3 and 2 more transcripts); c.728C>T, p.Pro243Leu (NM_001382655.3); short protein forms P225L, P243L.
Identifiers: ClinVar variation 436385 (VCV000436385.41), dbSNP rs17853284, ClinGen allele CA4303777.

ClinVar aggregate classification (germline): Conflicting classifications of pathogenicity. Review status: criteria provided, conflicting classifications (1 of 4 stars). 11 submissions from 11 submitters: Uncertain significance (5); Likely benign (5). 1 of the submissions does not count toward it. Last evaluated 2026-02-04.

Conditions:
Antley-Bixler syndrome with genital anomalies and disordered steroidogenesis (ABS1). Also called: POR Deficiency. Identifiers: Orphanet 63269, MedGen C3150099, MONDO:0008726, OMIM 201750.
Congenital adrenal hyperplasia due to cytochrome P450 oxidoreductase deficiency. Also called: DISORDERED STEROIDOGENESIS DUE TO POR DEFICIENCY. Identifiers: Orphanet 95699, MedGen C1860042, MONDO:0013310, OMIM 613571.
POR-related disorder. Also called: POR-related condition.

Allele frequency attached by ClinVar (database versions not stated): 1000 Genomes Project 30x 0.00172; 1000 Genomes Project 0.00220; gnomAD exomes 0.00248 and 0.00366; gnomAD 0.00261 and 0.00271; TOPMed 0.00287; ExAC 0.00291; ESP Exome Variant Server 0.00346.
gnomAD v4.1: 5,650 of 1,613,044 alleles (0.35%); highest among the groups gnomAD compares: Non-Finnish European, 0.44%; 13 homozygotes.

Submissions (11):

Labcorp Genetics (formerly Invitae), Labcorp
Classification: Likely benign for Congenital adrenal hyperplasia due to cytochrome P450 oxidoreductase deficiency. Last evaluated: 2026-02-04. Review status: criteria provided, single submitter. Criteria: Invitae Variant Classification Sherloc (09022015). Collection method: clinical testing. Allele origin: germline.

Centre for Clinical Genetics and Genomic Diagnostics, Zealand University Hospital
Classification: Uncertain significance. Last evaluated: 2025-09-12. Review status: criteria provided, single submitter. Criteria: ACMG Guidelines, 2015. Collection method: clinical testing. Allele origin: germline.

ARUP Laboratories, Molecular Genetics and Genomics, ARUP Laboratories
Classification: Uncertain significance. Last evaluated: 2025-06-26. Review status: criteria provided, single submitter. Criteria: ARUP Molecular Germline Variant Investigation Process 2024. Collection method: clinical testing. Allele origin: germline.
Comment: The POR c.683C>T; p.Pro228Leu variant (rs17853284; ClinVar Variation ID: 436385), which is part of the POR*36 allele (Gomes 2009), has been reported to have 40 to 100 percent P450 oxidoreductase activity in assays on CYP2C19, CYP17A1, NADPH Ox, Cyt c Red, CYP17A1, CYP3A4, CYP3A5, CYP2C9, and HO-1 enzymes (Agrawl 2008, Huang 2005, Marohnic 2001, Moutinho 2012, Pandey 2010, Rojas Velazquez 2022), and 20 percent activity on CYP1A2 (Agrawal 2008). The p.Pro228Leu variant is found in the general population with an overall allele frequency of 0.25% (689/277308 alleles, including a single homozygote) in the Genome Aggregation Database (v2.1.1). Computational analyses are uncertain whether this variant is neutral or deleterious (REVEL: 0.549). Due to limited and conflicting information, the clinical significance of this variant is uncertain at this time. References: Agrawal V et al. Pharmacogenetics of P450 oxidoreductase: effect of sequence variants on activities of CYP1A2 and CYP2C19. Pharmacogenet Genomics. 2008; 18(7):569-76. PMID: 18551037. Gomes A et al. Pharmacogenomics of human liver cytochrome P450 oxidoreductase: multifactorial analysis and impact on microsomal drug oxidation. Pharmacogenomics. 2009; 10(4):579-99. PMID: 19374516. Huang N et al. Diversity and function of mutations in p450 oxidoreductase in patients with Antley-Bixler syndrome and disordered steroidogenesis. Am J Hum Genet. 2005; 76(5):729-49. PMID: 15793702. Marohnic C et al. Mutations of human cytochrome P450 reductase differentially modulate heme oxygenase-1 activity and oligomerization. Arch Biochem Biophys. 2011;513(1):42-50. PMID: 21741353. Moutinho D et al. Altered human CYP3A4 activity caused by Antley-Bixler syndrome-related variants of NADPH-cytochrome P450 oxidoreductase measured in a robust in vitro system. Drug Metab Dispos. 2012; 40(4):754-60. PMID: 22252407. Pandey A et al. Altered heme catabolism by heme oxygenase-1 caused by mutations in human NADPH cytochrome P450 reductase. Biochem Biophys Res Commun. 2010; 400(3):374-8. PMID: 20732302. Rojas Velazquez MN et al. Loss of Protein Stability and Function Caused by P228L Variation in NADPH-Cytochrome P450 Reductase Linked to Lower Testosterone Levels. Int J Mol Sci. 2022 Sep 4;23(17):10141. PMID: 36077536.

Blueprint Genetics
Classification: Likely benign. Last evaluated: 2024-11-25. Review status: criteria provided, single submitter. Criteria: ACMG Guidelines, 2015. Collection method: clinical testing. Allele origin: germline.

Revvity Omics, Revvity
Classification: Uncertain significance. Last evaluated: 2022-09-27. Review status: criteria provided, single submitter. Criteria: ACMG Guidelines, 2015. Collection method: clinical testing. Allele origin: germline.

GeneDx
Classification: Likely benign. Last evaluated: 2021-06-02. Review status: criteria provided, single submitter. Criteria: GeneDx Variant Classification Process June 2021. Collection method: clinical testing. Allele origin: germline. Affected: yes.
Comment: In silico analysis supports that this missense variant has a deleterious effect on protein structure/function; This variant is associated with the following publications: (PMID: 26582918, 16467261, 27032764, 27068427, 27496950, 21084761, 22462747, 20732302, 21741353, 18551037, 20981092, 17635179, 22252407, 30496128)

Department of Pathology and Laboratory Medicine, Sinai Health System
Classification: Likely benign for Antley-Bixler syndrome with genital anomalies and disordered steroidogenesis. Last evaluated: 2020-08-14. Review status: criteria provided, single submitter. Criteria: ACMG Guidelines, 2015. Collection method: research. Allele origin: germline.

Eurofins Ntd Llc (ga)
Classification: Likely benign. Last evaluated: 2017-11-28. Review status: criteria provided, single submitter. Criteria: EGL Classification Definitions 2015. Collection method: clinical testing. Allele origin: germline. Observed: 3 variant alleles, 2 heterozygotes.

Illumina Laboratory Services, Illumina
Classification: Uncertain significance for Congenital adrenal hyperplasia due to cytochrome P450 oxidoreductase deficiency. Last evaluated: 2017-04-27. Review status: criteria provided, single submitter. Criteria: ICSL Variant Classification Criteria 13 December 2019. Collection method: clinical testing. Allele origin: germline.
Comment: This variant was observed as part of a predisposition screen in an ostensibly healthy population. A literature search was performed for the gene, cDNA change, and amino acid change (where applicable). Publications were found based on this search. However, the evidence from the literature, in combination with allele frequency data from public databases where available, was not sufficient to rule this variant in or out of causing disease. Therefore, this variant is classified as a variant of unknown significance.

Genetic Services Laboratory, University of Chicago
Classification: Uncertain significance. Last evaluated: 2016-09-20. Review status: criteria provided, single submitter. Criteria: ACMG Guidelines, 2015. Collection method: clinical testing. Allele origin: germline. Affected: no.

PreventionGenetics, part of Exact Sciences
Classification: Likely benign for POR-related condition. Last evaluated: 2019-04-11. Review status: no assertion criteria provided. Collection method: clinical testing. Allele origin: germline. Not counted in ClinVar's aggregate classification.
Comment: This variant is classified as likely benign based on ACMG/AMP sequence variant interpretation guidelines (Richards et al. 2015 PMID: 25741868, with internal and published modifications).

Literature cited by the submitters: PubMed 16467261 (cited by Illumina Laboratory Services, Illumina); PubMed 21084761 (cited by Illumina Laboratory Services, Illumina).